The following is an entry in ClinVar:

NM_001330260.2(SCN8A):c.3372+6G>T

Gene: SCN8A (sodium voltage-gated channel alpha subunit 8; plus strand). Cytogenetic location: 12q13.13.
Variant type: single nucleotide variant.
Coding change: c.3372+6G>T on transcript NM_001330260.2 (MANE Select); 6 bases into the intron after coding-DNA position 3372, G replaced by T.
Molecular consequence: intron variant.
Genome position (GRCh38, 1-based): chr12:51,769,341, G>T. VCF-style: chr12-51769341-G-T. GRCh37 (hg19) VCF-style: chr12-52163125-G-T.
Other names: c.3372+6G>T (NM_014191.4, NM_001177984.3, NM_001369788.1).
Identifiers: ClinVar variation 1512792 (VCV001512792.7), dbSNP rs1942888320, ClinGen allele CA2036188747.

ClinVar aggregate classification (germline): Uncertain significance (1 of 4 stars; one submission).

Conditions:
Early-infantile DEE. Also called: Early infantile epileptic encephalopathy; Ohtahara syndrome; Early infantile epileptic encephalopathy with suppression bursts. Identifiers: Orphanet 1934, MedGen C0393706, MONDO:0800491.

Allele frequency attached by ClinVar (database versions not stated): gnomAD exomes 0.00001.
gnomAD v4.1: 3 of 1,568,486 alleles (0.00019%); highest among the groups gnomAD compares: East Asian, 0.0068%; no homozygotes.

Submission:

Labcorp Genetics (formerly Invitae), Labcorp
Classification: Uncertain significance for Early-infantile DEE. Last evaluated: 2023-09-29. Review status: criteria provided, single submitter. Criteria: Invitae Variant Classification Sherloc (09022015). Collection method: clinical testing. Allele origin: germline.
Comment: This sequence change falls in intron 17 of the SCN8A gene. It does not directly change the encoded amino acid sequence of the SCN8A protein. It affects a nucleotide within the consensus splice site. This variant is not present in population databases (gnomAD no frequency). This variant has not been reported in the literature in individuals affected with SCN8A-related conditions. ClinVar contains an entry for this variant (Variation ID: 1512792). Variants that disrupt the consensus splice site are a relatively common cause of aberrant splicing (PMID: 17576681, 9536098). Algorithms developed to predict the effect of sequence changes on RNA splicing suggest that this variant is not likely to affect RNA splicing. In summary, the available evidence is currently insufficient to determine the role of this variant in disease. Therefore, it has been classified as a Variant of Uncertain Significance.

Literature cited by the submitters: PubMed 17576681; PubMed 9536098.